The following is an entry in ClinVar:

ClinVar aggregate classification (germline): Uncertain significance (1 of 4 stars; one submission).

Conditions:
Hyperkalemic periodic paralysis. Also called: Familial hyperkalemic periodic paralysis; Gamstorp disease. Identifiers: Orphanet 682, MedGen C0238357, MONDO:0008224, OMIM 170500, HP:0007215.

Submission:

Labcorp Genetics (formerly Invitae), Labcorp
Classification: Uncertain significance for Hyperkalemic periodic paralysis. Last evaluated: 2023-04-06. Review status: criteria provided, single submitter. Criteria: Invitae Variant Classification Sherloc (09022015). Collection method: clinical testing. Allele origin: germline.
Comment: This sequence change replaces lysine, which is basic and polar, with asparagine, which is neutral and polar, at codon 1329 of the SCN4A protein (p.Lys1329Asn). This variant is not present in population databases (gnomAD no frequency). This variant has not been reported in the literature in individuals affected with SCN4A-related conditions. Advanced modeling of protein sequence and biophysical properties (such as structural, functional, and spatial information, amino acid conservation, physicochemical variation, residue mobility, and thermodynamic stability) performed at Invitae indicates that this missense variant is expected to disrupt SCN4A protein function. In summary, the available evidence is currently insufficient to determine the role of this variant in disease. Therefore, it has been classified as a Variant of Uncertain Significance.

NM_000334.4(SCN4A):c.3987G>C (p.Lys1329Asn)

Genes: GH-LCR (growth hormone locus control region; plus strand), SCN4A (sodium voltage-gated channel alpha subunit 4; minus strand). Cytogenetic location: 17q23.3.
Variant type: single nucleotide variant.
Coding change: c.3987G>C on transcript NM_000334.4 (MANE Select); coding-DNA position 3987, G replaced by C.
Protein change: p.Lys1329Asn; replaces lysine 1329 with asparagine.
Molecular consequence: missense variant.
Genome position (GRCh38, 1-based): chr17:63,943,776, C>G on the plus strand (G>C on the coding strand, the complement: SCN4A is on the minus strand). VCF-style: chr17-63943776-C-G. GRCh37 (hg19) VCF-style: chr17-62021136-C-G.
Other names: short protein forms K1329N.
Identifiers: ClinVar variation 2852746 (VCV002852746.3), dbSNP rs2509287910, ClinGen allele CA400617001.